The following is an entry in ClinVar:

ClinVar aggregate classification (germline): Conflicting classifications of pathogenicity. Review status: criteria provided, conflicting classifications (1 of 4 stars). 2 submissions from 2 submitters: Likely pathogenic (1); Uncertain significance (1). Last evaluated 2022-06-19.

Conditions:
Hereditary cancer-predisposing syndrome. Also called: Neoplastic Syndromes, Hereditary; Tumor predisposition; Hereditary Cancer Syndrome; Hereditary neoplastic syndrome. Identifiers: Orphanet 140162, MedGen C0027672, MeSH D009386, MONDO:0015356.
Cardiovascular phenotype. Identifiers: MedGen CN230736.

Submissions (2):

Labcorp Genetics (formerly Invitae), Labcorp
Classification: Uncertain significance. Last evaluated: 2022-06-19. Review status: criteria provided, single submitter. Criteria: Invitae Variant Classification Sherloc (09022015). Collection method: clinical testing. Allele origin: germline.
Comment: This sequence change replaces tyrosine, which is neutral and polar, with histidine, which is basic and polar, at codon 193 of the LZTR1 protein (p.Tyr193His). In summary, the available evidence is currently insufficient to determine the role of this variant in disease. Therefore, it has been classified as a Variant of Uncertain Significance. This variant is not present in population databases (gnomAD no frequency). This variant has not been reported in the literature in individuals affected with LZTR1-related conditions. Algorithms developed to predict the effect of missense changes on protein structure and function (SIFT, PolyPhen-2, Align-GVGD) all suggest that this variant is likely to be disruptive. Experimental studies have shown that this missense change affects LZTR1 function (PMID: 30481304).

Ambry Genetics
Classification: Likely pathogenic for Cardiovascular phenotype; Hereditary cancer-predisposing syndrome. Last evaluated: 2021-12-03. Review status: criteria provided, single submitter. Criteria: Ambry Variant Classification Scheme 2023. Collection method: clinical testing. Allele origin: germline.
Comment: The c.577T>C (p.Y193H) alteration is located in exon 6 (coding exon 6) of the LZTR1 gene. This alteration results from a T to C substitution at nucleotide position 577, causing the tyrosine (Y) at amino acid position 193 to be replaced by a histidine (H). This variant was not reported in population-based cohorts in the Genome Aggregation Database (gnomAD). This alteration and others affecting the same amino acid, p.Y193C and p.Y193N have been reported de novo or inherited in patients with Noonan syndrome (Motta, 2019; Dr. Martin Zenker, personal communication). This amino acid position is highly conserved in available vertebrate species. Functional studies showed that Y193H failed to control RAS levels, leading to an increased RAS accumulation and EGF-mediated activation of RAS-MAPK pathway (Motta, 2019). This alteration is predicted to be tolerated by in silico analysis. Based on the available evidence, this alteration is classified as likely pathogenic.

Literature cited by the submitters: PubMed 30481304 (cited by Labcorp Genetics (formerly Invitae), Labcorp).

NM_006767.4(LZTR1):c.577T>C (p.Tyr193His)

Gene: LZTR1 (leucine zipper like post translational regulator 1; plus strand). Cytogenetic location: 22q11.21.
Variant type: single nucleotide variant.
Coding change: c.577T>C on transcript NM_006767.4 (MANE Select); coding-DNA position 577, T replaced by C.
Protein change: p.Tyr193His; replaces tyrosine 193 with histidine.
Molecular consequence: missense variant.
Genome position (GRCh38, 1-based): chr22:20,988,856, T>C. VCF-style: chr22-20988856-T-C. GRCh37 (hg19) VCF-style: chr22-21343145-T-C.
Other names: short protein forms Y193H.
Identifiers: ClinVar variation 1339345 (VCV001339345.7), dbSNP rs2147962725, ClinGen allele CA410780218.